The following is an entry in ClinVar:

NM_133261.3(GIPC3):c.*2754A>C

Gene: GIPC3 (GIPC PDZ domain containing family member 3; plus strand). Cytogenetic location: 19p13.3.
Variant type: single nucleotide variant.
Coding change: c.*2754A>C on transcript NM_133261.3 (MANE Select); 2754 bases downstream of the stop codon, A replaced by C.
Molecular consequence: 3 prime UTR variant. On other transcripts: synonymous variant (1).
Genome position (GRCh38, 1-based): chr19:3,592,944, A>C. VCF-style: chr19-3592944-A-C. GRCh37 (hg19) VCF-style: chr19-3592942-A-C.
Other names: c.3706A>C, p.Arg1236= (NM_001411144.1).
Identifiers: ClinVar variation 2649002 (VCV002649002.24), dbSNP rs1322250649, ClinGen allele CA881802186.

ClinVar aggregate classification (germline): Likely benign (1 of 4 stars; one submission).

Submission:

CeGaT Center for Human Genetics Tuebingen
Classification: Likely benign. Last evaluated: 2022-11-01. Review status: criteria provided, single submitter. Criteria: CeGaT Center For Human Genetics Tuebingen Variant Classification Criteria Version 2. Collection method: clinical testing. Allele origin: germline. Affected: yes. Observed: 1 variant allele.
Comment: GIPC3: BP4, BP7